The following is an entry in ClinVar:

NM_000548.5(TSC2):c.4636G>A (p.Ala1546Thr)

Gene: TSC2 (TSC complex subunit 2; plus strand). Cytogenetic location: 16p13.3.
Variant type: single nucleotide variant.
Coding change: c.4636G>A on transcript NM_000548.5 (MANE Select); coding-DNA position 4636, G replaced by A.
Protein change: p.Ala1546Thr; replaces alanine 1546 with threonine.
Molecular consequence: missense variant.
Genome position (GRCh38, 1-based): chr16:2,085,296, G>A. VCF-style: chr16-2085296-G-A. GRCh37 (hg19) VCF-style: chr16-2135297-G-A.
Other names: c.4435G>A, p.Ala1479Thr (NM_001077183.3); c.4567G>A, p.Ala1523Thr (NM_001114382.3); c.4327G>A, p.Ala1443Thr (NM_001318827.2); c.4291G>A, p.Ala1431Thr (NM_001318829.2); c.3904G>A, p.Ala1302Thr (NM_001318831.2); c.4468G>A, p.Ala1490Thr (NM_001318832.2); c.4438G>A, p.Ala1480Thr (NM_001363528.2); c.4504G>A, p.Ala1502Thr (NM_001370404.1); and 1 more; short protein forms A1480T, A1502T, A1443T, A1523T, A1546T, A1490T, A1302T, A1431T.
Identifiers: ClinVar variation 825059 (VCV000825059.17), dbSNP rs1332979299, ClinGen allele CA394304918.

ClinVar aggregate classification (germline): Conflicting classifications of pathogenicity. Review status: criteria provided, conflicting classifications (1 of 4 stars). 4 submissions from 4 submitters: Uncertain significance (3); Benign (1). Last evaluated 2025-11-03.

Conditions:
Hereditary cancer-predisposing syndrome. Also called: Neoplastic Syndromes, Hereditary; Hereditary Cancer Syndrome; Hereditary neoplastic syndrome; Tumor predisposition. Identifiers: Orphanet 140162, MedGen C0027672, MeSH D009386, MONDO:0015356.
Tuberous sclerosis 2 (TSC2). Identifiers: Orphanet 805, MedGen C1860707, MONDO:0013199, OMIM 613254.

Allele frequency attached by ClinVar (database versions not stated): gnomAD exomes 0.00001; TOPMed 0.00001.
gnomAD v4.1: 8 of 1,612,720 alleles (0.0005%); highest among the groups gnomAD compares: East Asian, 0.0022%; no homozygotes.

Submissions (4):

Labcorp Genetics (formerly Invitae), Labcorp
Classification: Benign for Tuberous sclerosis 2. Last evaluated: 2025-11-03. Review status: criteria provided, single submitter. Criteria: Invitae Variant Classification Sherloc (09022015). Collection method: clinical testing. Allele origin: germline.

Ambry Genetics
Classification: Uncertain significance for Hereditary cancer-predisposing syndrome. Last evaluated: 2025-05-26. Review status: criteria provided, single submitter. Criteria: Ambry Variant Classification Scheme 2023. Collection method: clinical testing. Allele origin: germline.
Comment: The p.A1546T variant (also known as c.4636G>A), located in coding exon 35 of the TSC2 gene, results from a G to A substitution at nucleotide position 4636. The alanine at codon 1546 is replaced by threonine, an amino acid with similar properties. This amino acid position is not well conserved in available vertebrate species. In addition, this alteration is predicted to be deleterious by in silico analysis. Since supporting evidence is limited at this time, the clinical significance of this alteration remains unclear.

GeneDx
Classification: Uncertain significance. Last evaluated: 2025-02-09. Review status: criteria provided, single submitter. Criteria: GeneDx Variant Classification Process June 2021. Collection method: clinical testing. Allele origin: germline. Affected: yes.
Comment: In silico analysis indicates that this missense variant does not alter protein structure/function; Has not been previously published as pathogenic or benign to our knowledge; This variant is associated with the following publications: (PMID: 18466115)

Genome-Nilou Lab
Classification: Uncertain significance for Tuberous sclerosis 2. Last evaluated: 2021-11-07. Review status: criteria provided, single submitter. Criteria: ACMG Guidelines, 2015. Collection method: clinical testing. Allele origin: germline. Affected: no.